The following is an entry in ClinVar:

NM_001370259.2(MEN1):c.1202G>C (p.Gly401Ala)

Gene: MEN1 (menin 1; minus strand). Cytogenetic location: 11q13.1.
Variant type: single nucleotide variant.
Coding change: c.1202G>C on transcript NM_001370259.2 (MANE Select); coding-DNA position 1202, G replaced by C.
Protein change: p.Gly401Ala; replaces glycine 401 with alanine.
Molecular consequence: missense variant. On other transcripts: non-coding transcript variant (4), intron variant (1).
Genome position (GRCh38, 1-based): chr11:64,805,182, C>G on the plus strand (G>C on the coding strand, the complement: MEN1 is on the minus strand). VCF-style: chr11-64805182-C-G. GRCh37 (hg19) VCF-style: chr11-64572654-C-G.
Other names: c.1217G>C, p.Gly406Ala (NM_000244.4, NM_001407145.1, NM_130800.3 and 4 more transcripts); c.1328G>C, p.Gly443Ala (NM_001370251.2, NM_001407142.1, NM_001407143.1 and 1 more transcripts); c.1202G>C, p.Gly401Ala (NM_001370260.2, NM_001370261.2, NM_001407146.1 and 2 more transcripts); c.1097G>C, p.Gly366Ala (NM_001370262.2, NM_001370263.2, NM_001407148.1 and 1 more transcripts); c.1343G>C, p.Gly448Ala (NM_001407150.1); c.1223G>C, p.Gly408Ala (NM_001407151.1); c.1186-366G>C (NM_001407152.1); short protein forms G366A, G408A, G401A, G443A, G448A, G406A.
Identifiers: ClinVar variation 3394937 (VCV003394937.1).

ClinVar aggregate classification (germline): Uncertain significance (1 of 4 stars; one submission).

Conditions:
Hereditary cancer-predisposing syndrome. Also called: Hereditary Cancer Syndrome; Tumor predisposition; Hereditary neoplastic syndrome; Neoplastic Syndromes, Hereditary. Identifiers: Orphanet 140162, MedGen C0027672, MeSH D009386, MONDO:0015356.

Submission:

Ambry Genetics
Classification: Uncertain significance for Hereditary cancer-predisposing syndrome. Last evaluated: 2024-07-01. Review status: criteria provided, single submitter. Criteria: Ambry Variant Classification Scheme 2023. Collection method: clinical testing. Allele origin: germline.
Comment: The p.G401A variant (also known as c.1202G>C), located in coding exon 8 of the MEN1 gene, results from a G to C substitution at nucleotide position 1202. The glycine at codon 401 is replaced by alanine, an amino acid with similar properties. This amino acid position is conserved. In addition, the in silico prediction for this alteration is inconclusive. Based on the available evidence, the clinical significance of this variant remains unclear.